The following is an entry in ClinVar:

ClinVar aggregate classification (germline): Uncertain significance (1 of 4 stars; one submission).

Conditions:
Hereditary cancer-predisposing syndrome. Also called: Neoplastic Syndromes, Hereditary; Tumor predisposition; Hereditary Cancer Syndrome; Hereditary neoplastic syndrome. Identifiers: Orphanet 140162, MedGen C0027672, MeSH D009386, MONDO:0015356.

gnomAD v4.1: 1 of 1,613,718 alleles (0.000062%); highest among the groups gnomAD compares: Non-Finnish European, 0.000085%; no homozygotes.

Submission:

Ambry Genetics
Classification: Uncertain significance for Hereditary cancer-predisposing syndrome. Last evaluated: 2023-07-04. Review status: criteria provided, single submitter. Criteria: Ambry Variant Classification Scheme 2023. Collection method: clinical testing. Allele origin: germline.
Comment: The p.I67V variant (also known as c.199A>G), located in coding exon 2 of the FANCC gene, results from an A to G substitution at nucleotide position 199. The isoleucine at codon 67 is replaced by valine, an amino acid with highly similar properties. This amino acid position is conserved. In addition, this alteration is predicted to be tolerated by in silico analysis. Since supporting evidence is limited at this time, the clinical significance of this alteration remains unclear.

NM_000136.3(FANCC):c.199A>G (p.Ile67Val)

Gene: FANCC (FA complementation group C; minus strand). Cytogenetic location: 9q22.32.
Variant type: single nucleotide variant.
Coding change: c.199A>G on transcript NM_000136.3 (MANE Select); coding-DNA position 199, A replaced by G.
Protein change: p.Ile67Val; replaces isoleucine 67 with valine.
Molecular consequence: missense variant.
Genome position (GRCh38, 1-based): chr9:95,247,483, T>C on the plus strand (A>G on the coding strand, the complement: FANCC is on the minus strand). VCF-style: chr9-95247483-T-C. GRCh37 (hg19) VCF-style: chr9-98009765-T-C.
Other names: c.199A>G, p.Ile67Val (NM_001243743.2, NM_001243744.2); short protein forms I67V.
Identifiers: ClinVar variation 1784124 (VCV001784124.3), dbSNP rs2542843617, ClinGen allele CA374340096.